The following is an entry in ClinVar:

ClinVar aggregate classification (germline): Uncertain significance (1 of 4 stars; one submission).

Conditions:
Multiple endocrine neoplasia, type 2 (MEN2). Identifiers: Orphanet 653, MedGen C4048306, MONDO:0019003. Disease mechanism: gain of function.

Submission:

Labcorp Genetics (formerly Invitae), Labcorp
Classification: Uncertain significance for Multiple endocrine neoplasia, type 2. Last evaluated: 2019-06-14. Review status: criteria provided, single submitter. Criteria: Invitae Variant Classification Sherloc (09022015). Collection method: clinical testing. Allele origin: germline.
Comment: Algorithms developed to predict the effect of missense changes on protein structure and function output the following: SIFT: "Tolerated"; PolyPhen-2: "Benign"; Align-GVGD: "Class C0". The threonine amino acid residue is found in multiple mammalian species, suggesting that this missense change does not adversely affect protein function. These predictions have not been confirmed by published functional studies and their clinical significance is uncertain. This variant has not been reported in the literature in individuals with RET-related conditions. This variant is not present in population databases (ExAC no frequency). This sequence change replaces serine with threonine at codon 507 of the RET protein (p.Ser507Thr). The serine residue is weakly conserved and there is a small physicochemical difference between serine and threonine. In summary, the available evidence is currently insufficient to determine the role of this variant in disease. Therefore, it has been classified as a Variant of Uncertain Significance.

NM_020975.6(RET):c.1519T>A (p.Ser507Thr)

Gene: RET (ret proto-oncogene; plus strand). Cytogenetic location: 10q11.21.
Variant type: single nucleotide variant.
Coding change: c.1519T>A on transcript NM_020975.6 (MANE Select); coding-DNA position 1519, T replaced by A.
Protein change: p.Ser507Thr; replaces serine 507 with threonine.
Molecular consequence: missense variant.
Genome position (GRCh38, 1-based): chr10:43,111,462, T>A. VCF-style: chr10-43111462-T-A. GRCh37 (hg19) VCF-style: chr10-43606910-T-A.
Other names: c.1519T>A, p.Ser507Thr (NM_000323.2, NM_001406743.1, NM_001406744.1 and 6 more transcripts); c.757T>A, p.Ser253Thr (NM_001355216.2); c.1390T>A, p.Ser464Thr (NM_001406761.1, NM_001406762.1, NM_001406764.1 and 1 more transcripts); c.1231T>A, p.Ser411Thr (NM_001406766.1, NM_001406767.1, NM_001406770.1); c.1123T>A, p.Ser375Thr (NM_001406769.1, NM_001406772.1); c.1081T>A, p.Ser361Thr (NM_001406771.1, NM_001406773.1); c.994T>A, p.Ser332Thr (NM_001406774.1); c.793T>A, p.Ser265Thr (NM_001406775.1, NM_001406776.1, NM_001406777.1 and 1 more transcripts); and 1 more; short protein forms S253T, S507T, S177T, S332T, S375T, S361T, S265T, S464T.
Identifiers: ClinVar variation 945518 (VCV000945518.10), dbSNP rs1588871498, ClinGen allele CA376550045.